The following is an entry in ClinVar:

ClinVar aggregate classification (germline): Uncertain significance. Review status: criteria provided, multiple submitters, no conflicts (2 of 4 stars). 2 submissions from 2 submitters: Uncertain significance (2). Last evaluated 2026-05-08.

Conditions:
Cardiovascular phenotype. Identifiers: MedGen CN230736.
Catecholaminergic polymorphic ventricular tachycardia 1. Also called: VENTRICULAR TACHYCARDIA, CATECHOLAMINERGIC POLYMORPHIC, 1, WITH OR WITHOUT ATRIAL DYSFUNCTION AND/OR DILATED CARDIOMYOPATHY; RYR2-Related Catecholaminergic Polymorphic Ventricular Tachycardia; VENTRICULAR TACHYCARDIA, STRESS-INDUCED POLYMORPHIC 1. Identifiers: Orphanet 3286, MedGen C1631597, MONDO:0011484, OMIM 604772.

gnomAD v4.1: 5 of 1,612,572 alleles (0.00031%); highest among the groups gnomAD compares: Non-Finnish European, 0.00034%; no homozygotes.

Submissions (2):

Ambry Genetics
Classification: Uncertain significance for Cardiovascular phenotype. Last evaluated: 2026-05-08. Review status: criteria provided, single submitter. Criteria: Ambry Variant Classification Scheme 2023. Collection method: clinical testing. Allele origin: germline.
Comment: The p.A181P variant (also known as c.541G>C), located in coding exon 5 of the CASQ2 gene, results from a G to C substitution at nucleotide position 541. The alanine at codon 181 is replaced by proline, an amino acid with highly similar properties. This amino acid position is highly conserved in available vertebrate species. In addition, the in silico prediction for this alteration is inconclusive. Based on the available evidence, the clinical significance of this variant remains unclear.

Labcorp Genetics (formerly Invitae), Labcorp
Classification: Uncertain significance for Catecholaminergic polymorphic ventricular tachycardia 1. Last evaluated: 2022-03-19. Review status: criteria provided, single submitter. Criteria: Invitae Variant Classification Sherloc (09022015). Collection method: clinical testing. Allele origin: germline.
Comment: This sequence change replaces alanine, which is neutral and non-polar, with proline, which is neutral and non-polar, at codon 181 of the CASQ2 protein (p.Ala181Pro). This variant is present in population databases (rs745879915, gnomAD 0.002%). This variant has not been reported in the literature in individuals affected with CASQ2-related conditions. ClinVar contains an entry for this variant (Variation ID: 578821). Advanced modeling of protein sequence and biophysical properties (such as structural, functional, and spatial information, amino acid conservation, physicochemical variation, residue mobility, and thermodynamic stability) performed at Invitae indicates that this missense variant is expected to disrupt CASQ2 protein function. In summary, the available evidence is currently insufficient to determine the role of this variant in disease. Therefore, it has been classified as a Variant of Uncertain Significance.

NM_001232.4(CASQ2):c.541G>C (p.Ala181Pro)

Gene: CASQ2 (calsequestrin 2; minus strand). Cytogenetic location: 1p13.1.
Variant type: single nucleotide variant.
Coding change: c.541G>C on transcript NM_001232.4 (MANE Select); coding-DNA position 541, G replaced by C.
Protein change: p.Ala181Pro; replaces alanine 181 with proline.
Molecular consequence: missense variant.
Genome position (GRCh38, 1-based): chr1:115,732,966, C>G on the plus strand (G>C on the coding strand, the complement: CASQ2 is on the minus strand). VCF-style: chr1-115732966-C-G. GRCh37 (hg19) VCF-style: chr1-116275587-C-G.
Other names: short protein forms A181P.
Identifiers: ClinVar variation 578821 (VCV000578821.8), dbSNP rs745879915, ClinGen allele CA1023870.